The following is an entry in ClinVar:

ClinVar aggregate classification (germline): Likely benign. Review status: criteria provided, multiple submitters, no conflicts (2 of 4 stars). 3 submissions from 3 submitters: Likely benign (3). Last evaluated 2025-03-03.

Conditions:
Inborn genetic diseases. Identifiers: MedGen C0950123, MeSH D030342.
Neuropathy, hereditary sensory, type 2C. Also called: Hereditary sensory and autonomic neuropathy type IIC; KIF1A-Related HSAN2 (HSAN2C). Identifiers: Orphanet 970, MedGen C3280168, MONDO:0013634, OMIM 614213.
Intellectual disability, autosomal dominant 9 (NESCAVS). Also called: NESCAV SYNDROME; KIF1A-Related Neurodevelopmental Disorder. Identifiers: Orphanet 662367, MedGen C5393830, MONDO:0013656, OMIM 614255.
Hereditary spastic paraplegia 30. Identifiers: Orphanet 101010, MedGen C5235139, MONDO:0012476.

Allele frequency attached by ClinVar (database versions not stated): gnomAD exomes 0.00001; ExAC 0.00002.
gnomAD v4.1: 11 of 1,575,384 alleles (0.0007%); highest among the groups gnomAD compares: Non-Finnish European, 0.00017%; no homozygotes.

Submissions (3):

Labcorp Genetics (formerly Invitae), Labcorp
Classification: Likely benign for Hereditary spastic paraplegia 30; Neuropathy, hereditary sensory, type 2C; Intellectual disability, autosomal dominant 9. Last evaluated: 2025-03-03. Review status: criteria provided, single submitter. Criteria: Invitae Variant Classification Sherloc (09022015). Collection method: clinical testing. Allele origin: germline.

Ambry Genetics
Classification: Likely benign for Inborn genetic diseases. Last evaluated: 2019-07-11. Review status: criteria provided, single submitter. Criteria: Ambry Variant Classification Scheme 2023. Collection method: clinical testing. Allele origin: germline.

GeneDx
Classification: Likely benign. Last evaluated: 2017-03-20. Review status: criteria provided, single submitter. Criteria: GeneDx Variant Classification (06012015). Collection method: clinical testing. Allele origin: germline. Affected: yes.
Comment: This variant is considered likely benign or benign based on one or more of the following criteria: it is a conservative change, it occurs at a poorly conserved position in the protein, it is predicted to be benign by multiple in silico algorithms, and/or has population frequency not consistent with disease.

NM_001244008.2(KIF1A):c.1962G>T (p.Leu654=)

Gene: KIF1A (kinesin family member 1A; minus strand). Cytogenetic location: 2q37.3.
Variant type: single nucleotide variant.
Coding change: c.1962G>T on transcript NM_001244008.2 (MANE Select); coding-DNA position 1962, G replaced by T.
Protein change: p.Leu654=; no amino-acid change (leucine 654 retained).
Molecular consequence: synonymous variant.
Genome position (GRCh38, 1-based): chr2:240,763,079, C>A on the plus strand (G>T on the coding strand, the complement: KIF1A is on the minus strand). VCF-style: chr2-240763079-C-A. GRCh37 (hg19) VCF-style: chr2-241702496-C-A.
Other names: c.1962G>T, p.Leu654= (NM_001320705.2, NM_001330289.2, NM_001379638.1); c.2037G>T, p.Leu679= (NM_001330290.2, NM_001379631.1, NM_001379634.1 and 2 more transcripts); c.1935G>T, p.Leu645= (NM_001379632.1, NM_001379633.1, NM_001379636.1 and 10 more transcripts); c.2010G>T, p.Leu670= (NM_001379637.1, NM_001379648.1).
Identifiers: ClinVar variation 508280 (VCV000508280.12), dbSNP rs779460275, ClinGen allele CA2208229.